The following is an entry in ClinVar:

ClinVar aggregate classification (germline): Likely pathogenic (0 of 4 stars; one submission).

Conditions:
NOTCH1-related disorder. Also called: NOTCH1-related condition; NOTCH1-related disorders.

Submission:

PreventionGenetics, part of Exact Sciences
Classification: Likely pathogenic for NOTCH1-related condition. Last evaluated: 2023-11-15. Review status: no assertion criteria provided. Collection method: clinical testing. Allele origin: germline.
Comment: The NOTCH1 c.4549G>C variant is predicted to result in the amino acid substitution p.Asp1517His. To our knowledge, this variant has not been reported in the literature or in a large population database, indicating this variant is rare. This variant is interpreted as likely pathogenic.

NM_017617.5(NOTCH1):c.4549G>C (p.Asp1517His)

Gene: NOTCH1 (notch receptor 1; minus strand). Cytogenetic location: 9q34.3.
Variant type: single nucleotide variant.
Coding change: c.4549G>C on transcript NM_017617.5 (MANE Select); coding-DNA position 4549, G replaced by C.
Protein change: p.Asp1517His; replaces aspartic acid 1517 with histidine.
Molecular consequence: missense variant.
Genome position (GRCh38, 1-based): chr9:136,505,347, C>G on the plus strand (G>C on the coding strand, the complement: NOTCH1 is on the minus strand). VCF-style: chr9-136505347-C-G. GRCh37 (hg19) VCF-style: chr9-139399799-C-G.
Other names: short protein forms D1517H.
Identifiers: ClinVar variation 3048375 (VCV003048375.2), dbSNP rs1554727954, ClinGen allele CA375646669.
Genomic context (GRCh38, chr9:136,505,347, plus strand): 5'-CCCCATGAGCCCCGCAGCCTTACTTGCACTGGCCTTCCGCACGCTGGCAGTCAAAGCCGT[C>G]GAAGAGGCAGCCGGCTGAGTTGCACTGGCTGTCACAGTGGCCGTCACTGAAGTACTTCCA-3'
Protein context (NP_060087.3, residues 1507-1527): SQCNSAGCLF[Asp1517His]GFDCQRAEGQ